The following is an entry in ClinVar:

ClinVar aggregate classification (germline): Uncertain significance (1 of 4 stars; one submission).

gnomAD v4.1: 7 of 1,376,420 alleles (0.00051%); highest among the groups gnomAD compares: Non-Finnish European, 0.00066%; no homozygotes.

Submission:

GeneDx
Classification: Uncertain significance. Last evaluated: 2023-06-27. Review status: criteria provided, single submitter. Criteria: GeneDx Variant Classification Process June 2021. Collection method: clinical testing. Allele origin: germline. Affected: yes.
Comment: Not observed at significant frequency in large population cohorts (gnomAD); In silico analysis supports that this missense variant does not alter protein structure/function; Has not been previously published as pathogenic or benign to our knowledge

NM_001453.3(FOXC1):c.1048C>T (p.Leu350Phe)

Gene: FOXC1 (forkhead box C1; plus strand). Cytogenetic location: 6p25.3.
Variant type: single nucleotide variant.
Coding change: c.1048C>T on transcript NM_001453.3 (MANE Select); coding-DNA position 1048, C replaced by T.
Protein change: p.Leu350Phe; replaces leucine 350 with phenylalanine.
Molecular consequence: missense variant.
Genome position (GRCh38, 1-based): chr6:1,611,493, C>T. VCF-style: chr6-1611493-C-T. GRCh37 (hg19) VCF-style: chr6-1611728-C-T.
Other names: short protein forms L350F.
Identifiers: ClinVar variation 3360489 (VCV003360489.1).